The following is an entry in ClinVar:

ClinVar aggregate classification (germline): Benign/Likely benign. Review status: criteria provided, multiple submitters, no conflicts (2 of 4 stars). 11 submissions from 11 submitters: Benign (6); Likely benign (2). 3 of the submissions do not count toward it. Last evaluated 2026-02-03.

Conditions:
Epidermolysis bullosa simplex 5C, with pyloric atresia (EBS5C). Also called: PLEC1-Related Epidermolysis Bullosa with Pyloric Atresia; PLEC-Related Epidermolysis Bullosa with Pyloric Atresia; Epidermolysis bullosa simplex with pyloric atresia. Identifiers: Orphanet 158684, MedGen C2677349, MONDO:0012807, OMIM 612138.
Epidermolysis bullosa simplex 5B, with muscular dystrophy (EBS5B). Also called: Epidermolysis bullosa simplex with muscular dystrophy; EPIDERMOLYSIS BULLOSA SIMPLEX AND LIMB-GIRDLE MUSCULAR DYSTROPHY. Identifiers: Orphanet 257, MedGen C2931072, MONDO:0009181, OMIM 226670.
Epidermolysis bullosa simplex, Ogna type (EBS5A). Also called: Pidermolysis bullosa simplex 5A, Ogna type; EPIDERMOLYSIS BULLOSA SIMPLEX 5A, OGNA TYPE. Identifiers: Orphanet 79401, MedGen C0432317, MONDO:0007555, OMIM 131950.
Autosomal recessive limb-girdle muscular dystrophy type 2Q (LGMDR17). Also called: MUSCULAR DYSTROPHY, LIMB-GIRDLE, AUTOSOMAL RECESSIVE 17. Identifiers: Orphanet 254361, MedGen C3150989, MONDO:0013390, OMIM 613723.
Epidermolysis bullosa simplex with nail dystrophy (EBS5D). Identifiers: MedGen C4225309, MONDO:0014661, OMIM 616487.

Allele frequency attached by ClinVar (database versions not stated): 1000 Genomes Project 0.01697; 1000 Genomes Project 30x 0.01718; TOPMed 0.03087; ESP Exome Variant Server 0.03605; gnomAD 0.03808.
gnomAD v4.1: 71,615 of 1,612,994 alleles (4.4%); highest among the groups gnomAD compares: Non-Finnish European, 5.2%; 1,763 homozygotes.

Submissions (11):

Labcorp Genetics (formerly Invitae), Labcorp
Classification: Benign for Autosomal recessive limb-girdle muscular dystrophy type 2Q; Epidermolysis bullosa simplex, Ogna type; Epidermolysis bullosa simplex with nail dystrophy; Epidermolysis bullosa simplex 5C, with pyloric atresia; Epidermolysis bullosa simplex 5B, with muscular dystrophy. Last evaluated: 2026-02-03. Review status: criteria provided, single submitter. Criteria: Invitae Variant Classification Sherloc (09022015). Collection method: clinical testing. Allele origin: germline.

Blueprint Genetics
Classification: Benign. Last evaluated: 2024-11-27. Review status: criteria provided, single submitter. Criteria: ACMG Guidelines, 2015. Collection method: clinical testing. Allele origin: germline.

Athena Diagnostics
Classification: Benign. Last evaluated: 2018-06-18. Review status: criteria provided, single submitter. Criteria: Athena Diagnostics Criteria. Collection method: clinical testing. Allele origin: germline.

Mayo Clinic Laboratories, Mayo Clinic
Classification: Benign. Last evaluated: 2018-02-20. Review status: criteria provided, single submitter. Criteria: ACMG Guidelines, 2015. Collection method: clinical testing. Allele origin: germline. Observed: 106 variant alleles.

GeneDx
Classification: Benign. Last evaluated: 2016-02-15. Review status: criteria provided, single submitter. Criteria: GeneDx Variant Classification (06012015). Collection method: clinical testing. Allele origin: germline. Affected: yes.
Comment: This variant is considered likely benign or benign based on one or more of the following criteria: it is a conservative change, it occurs at a poorly conserved position in the protein, it is predicted to be benign by multiple in silico algorithms, and/or has population frequency not consistent with disease.

Laboratory for Molecular Medicine, Mass General Brigham Personalized Medicine
Classification: Benign. Last evaluated: 2015-01-13. Review status: criteria provided, single submitter. Criteria: LMM Criteria. Collection method: clinical testing. Allele origin: germline. Observed: 2 variant alleles.
Comment: p.Leu3834Leu in exon 32 of PLEC: This variant is not expected to have clinical s ignificance because it does not alter an amino acid residue and is not located w ithin the splice consensus sequence. It has been identified in 4.9% (408/8274) o f European American chromosomes from a broad population by the NHLBI Exome Seque ncing Project (dbSNP rs17062686).

Breakthrough Genomics
Classification: Likely benign. Review status: criteria provided, single submitter. Criteria: ACMG Guidelines, 2015. Collection method: not provided. Allele origin: germline. Inheritance: Autosomal recessive inheritance. Affected: yes.

PreventionGenetics, part of Exact Sciences
Classification: Likely benign. Review status: criteria provided, single submitter. Criteria: ACMG Guidelines, 2015. Collection method: clinical testing. Allele origin: germline.

Clinical Genetics, Academic Medical Center
Classification: Benign. Review status: no assertion criteria provided. Collection method: clinical testing. Allele origin: germline. Affected: yes. Study: VKGL Data-share Consensus. Not counted in ClinVar's aggregate classification.

Genetic Services Laboratory, University of Chicago
Classification: Likely benign for AllHighlyPenetrant. Review status: no assertion criteria provided. Collection method: clinical testing. Allele origin: germline. Inheritance: Autosomal recessive inheritance. Not counted in ClinVar's aggregate classification.
Comment: Likely benign based on allele frequency in 1000 Genomes Project or ESP global frequency and its presence in a patient with a rare or unrelated disease phenotype. NOT Sanger confirmed.

Laboratory of Diagnostic Genome Analysis, Leiden University Medical Center (LUMC)
Classification: Benign. Review status: no assertion criteria provided. Collection method: clinical testing. Allele origin: germline. Affected: yes. Study: VKGL Data-share Consensus. Not counted in ClinVar's aggregate classification.

NM_201384.3(PLEC):c.11089C>T (p.Leu3697=)

Gene: PLEC (plectin; minus strand). Cytogenetic location: 8q24.3.
Variant type: single nucleotide variant.
Coding change: c.11089C>T on transcript NM_201384.3 (MANE Select); coding-DNA position 11089, C replaced by T.
Protein change: p.Leu3697=; no amino-acid change (leucine 3697 retained).
Molecular consequence: synonymous variant.
Genome position (GRCh38, 1-based): chr8:143,918,732, G>A on the plus strand (C>T on the coding strand, the complement: PLEC is on the minus strand). VCF-style: chr8-143918732-G-A. GRCh37 (hg19) VCF-style: chr8-144992900-G-A.
Other names: p.Leu3683=; c.11170C>T, p.Leu3724= (NM_000445.5); c.11047C>T, p.Leu3683= (NM_201378.4); c.11023C>T, p.Leu3675= (NM_201379.3); c.11500C>T, p.Leu3834= (NM_201380.4); c.10993C>T, p.Leu3665= (NM_201381.3); c.11089C>T, p.Leu3697= (NM_201382.4); c.11101C>T, p.Leu3701= (NM_201383.3).
Identifiers: ClinVar variation 129925 (VCV000129925.26), dbSNP rs17062686, ClinGen allele CA154362.
Genomic context (GRCh38, chr8:143,918,732, plus strand): 5'-CACTCAGCAGCCCTTTCTTGAGAGCCTGGTAGATGCTCAGTGTCTGCCTGGAACCGGGCA[G>A]GTAGACACCAGCCACGGAGCCCGTGCCATAGAGGTAGCACCAGGCGGACTCCGCCTCGAG-3'
Protein context (NP_958786.1, residues 3687-3707): YGTGSVAGVY[Leu3697=]PGSRQTLSIY